The following is an entry in ClinVar:

NM_020738.4(KIDINS220):c.2862A>G (p.Arg954=)

Gene: KIDINS220 (kinase D interacting substrate 220; minus strand). Cytogenetic location: 2p25.1.
Variant type: single nucleotide variant.
Coding change: c.2862A>G on transcript NM_020738.4 (MANE Select); coding-DNA position 2862, A replaced by G.
Protein change: p.Arg954=; no amino-acid change (arginine 954 retained).
Molecular consequence: synonymous variant. On other transcripts: non-coding transcript variant (2).
Genome position (GRCh38, 1-based): chr2:8,770,819, T>C on the plus strand (A>G on the coding strand, the complement: KIDINS220 is on the minus strand). VCF-style: chr2-8770819-T-C. GRCh37 (hg19) VCF-style: chr2-8910949-T-C.
Other names: c.2865A>G, p.Arg955= (NM_001348729.2, NM_001348731.2, NM_001348734.2 and 3 more transcripts); c.2862A>G, p.Arg954= (NM_001348732.2, NM_001348735.2, NM_001348738.2 and 3 more transcripts); c.2736A>G, p.Arg912= (NM_001348736.2).
Identifiers: ClinVar variation 3348134 (VCV003348134.1).

ClinVar aggregate classification (germline): Likely benign (0 of 4 stars; one submission).

Conditions:
KIDINS220-related disorder. Also called: KIDINS220-related condition.

gnomAD v4.1: 5 of 1,598,914 alleles (0.00031%); highest among the groups gnomAD compares: Non-Finnish European, 0.00043%; no homozygotes.

Submission:

PreventionGenetics, part of Exact Sciences
Classification: Likely benign for KIDINS220-related condition. Last evaluated: 2023-09-22. Review status: no assertion criteria provided. Collection method: clinical testing. Allele origin: germline.
Comment: This variant is classified as likely benign based on ACMG/AMP sequence variant interpretation guidelines (Richards et al. 2015 PMID: 25741868, with internal and published modifications).